The following is an entry in ClinVar:

ClinVar aggregate classification (germline): Benign/Likely benign. Review status: criteria provided, multiple submitters, no conflicts (2 of 4 stars). 4 submissions from 4 submitters: Benign (2); Likely benign (1). 1 of the submissions does not count toward it. Last evaluated 2024-11-25.

Conditions:
PDE11A-related disorder. Also called: PDE11A-related condition.

Allele frequency attached by ClinVar (database versions not stated): gnomAD exomes 0.00568; ExAC 0.00712; gnomAD 0.02215 and 0.02378; 1000 Genomes Project 0.02336; TOPMed 0.02451; ESP Exome Variant Server 0.02492; 1000 Genomes Project 30x 0.02623.
gnomAD v4.1: 6,581 of 1,592,232 alleles (0.41%); highest among the groups gnomAD compares: African/African-American, 7.7%; 224 homozygotes.

Submissions (4):

Blueprint Genetics
Classification: Likely benign. Last evaluated: 2024-11-25. Review status: criteria provided, single submitter. Criteria: ACMG Guidelines, 2015. Collection method: clinical testing. Allele origin: germline.

Labcorp Genetics (formerly Invitae), Labcorp
Classification: Benign. Last evaluated: 2019-12-31. Review status: criteria provided, single submitter. Criteria: Invitae Variant Classification Sherloc (09022015). Collection method: clinical testing. Allele origin: germline.

Breakthrough Genomics
Classification: Benign. Review status: criteria provided, single submitter. Criteria: ACMG Guidelines, 2015. Collection method: not provided. Allele origin: germline. Inheritance: Autosomal dominant inheritance. Affected: yes.

PreventionGenetics, part of Exact Sciences
Classification: Benign for PDE11A-related condition. Last evaluated: 2019-11-25. Review status: no assertion criteria provided. Collection method: clinical testing. Allele origin: germline. Not counted in ClinVar's aggregate classification.
Comment: This variant is classified as benign based on ACMG/AMP sequence variant interpretation guidelines (Richards et al. 2015 PMID: 25741868, with internal and published modifications).

NM_016953.4(PDE11A):c.2388C>T (p.Tyr796=)

Genes: PDE11A (phosphodiesterase 11A; minus strand), PDE11A-AS1 (PDE11A antisense RNA 1; plus strand). Cytogenetic location: 2q31.2.
Variant type: single nucleotide variant.
Coding change: c.2388C>T on transcript NM_016953.4 (MANE Select); coding-DNA position 2388, C replaced by T.
Protein change: p.Tyr796=; no amino-acid change (tyrosine 796 retained).
Molecular consequence: synonymous variant.
Genome position (GRCh38, 1-based): chr2:177,680,861, G>A on the plus strand (C>T on the coding strand, the complement: PDE11A is on the minus strand). VCF-style: chr2-177680861-G-A. GRCh37 (hg19) VCF-style: chr2-178545589-G-A.
Other names: c.1056C>T, p.Tyr352= (NM_001077196.2); c.1638C>T, p.Tyr546= (NM_001077197.2); c.1314C>T, p.Tyr438= (NM_001077358.2).
Identifiers: ClinVar variation 787776 (VCV000787776.8), dbSNP rs61745593, ClinGen allele CA1981589.